The following is an entry in ClinVar:

NM_181507.2(HPS5):c.1635-4C>G

Gene: HPS5 (HPS5 biogenesis of lysosomal organelles complex 2 subunit 2; minus strand). Cytogenetic location: 11p15.1.
Variant type: single nucleotide variant.
Coding change: c.1635-4C>G on transcript NM_181507.2 (MANE Select); 4 bases into the intron before coding-DNA position 1635, C replaced by G.
Molecular consequence: intron variant.
Genome position (GRCh38, 1-based): chr11:18,295,173, G>C on the plus strand (C>G on the coding strand, the complement: HPS5 is on the minus strand). VCF-style: chr11-18295173-G-C. GRCh37 (hg19) VCF-style: chr11-18316720-G-C.
Other names: p.?; c.1293-4C>G (NM_001440921.1, NM_001440926.1, NM_001440925.1 and 7 more transcripts); c.1524-4C>G (NM_001440915.1, NM_001440914.1, NM_001440913.1); c.1635-4C>G (NM_001440931.1, NM_001440917.1, NM_001440906.1 and 5 more transcripts); c.1560-4C>G (NM_001440907.1, NM_001440909.1, NM_001440908.1); c.1221-4C>G (NM_001440928.1, NM_001440927.1, NM_001440929.1); c.1422-4C>G (NM_001440919.1); c.1449-4C>G (NM_001440918.1).
Identifiers: ClinVar variation 226661 (VCV000226661.22), dbSNP rs79009787, ClinGen allele CA5910047.

ClinVar aggregate classification (germline): Benign/Likely benign. Review status: criteria provided, multiple submitters, no conflicts (2 of 4 stars). 7 submissions from 7 submitters: Benign (6); Likely benign (1). Last evaluated 2026-02-04.

Conditions:
Hermansky-Pudlak syndrome 5 (HPS5). Identifiers: Orphanet 231512, Orphanet 79430, MedGen C3888004, MONDO:0013557, OMIM 614074.

Allele frequency attached by ClinVar (database versions not stated): ESP Exome Variant Server 0.00054; gnomAD 0.00184 and 0.00229; gnomAD exomes 0.00207 and 0.00451; TOPMed 0.00283; ExAC 0.00467; 1000 Genomes Project 30x 0.00921; 1000 Genomes Project 0.01018.

Submissions (7):

Labcorp Genetics (formerly Invitae), Labcorp
Classification: Benign. Last evaluated: 2026-02-04. Review status: criteria provided, single submitter. Criteria: Invitae Variant Classification Sherloc (09022015). Collection method: clinical testing. Allele origin: germline.

Mayo Clinic Laboratories, Mayo Clinic
Classification: Benign. Last evaluated: 2025-07-07. Review status: criteria provided, single submitter. Criteria: ACMG Guidelines, 2015. Collection method: clinical testing. Allele origin: germline. Observed: 1 variant allele.
Comment: BA1, BS2, BP4, BP6

GeneDx
Classification: Likely benign. Last evaluated: 2021-02-14. Review status: criteria provided, single submitter. Criteria: GeneDx Variant Classification Process June 2021. Collection method: clinical testing. Allele origin: germline. Affected: yes.
Comment: See Variant Classification Assertion Criteria.

Illumina Laboratory Services, Illumina
Classification: Benign for Hermansky-Pudlak syndrome 5. Last evaluated: 2018-01-13. Review status: criteria provided, single submitter. Criteria: ICSL Variant Classification Criteria 13 December 2019. Collection method: clinical testing. Allele origin: germline.
Comment: This variant was observed in the ICSL laboratory as part of a predisposition screen in an ostensibly healthy population. It had not been previously curated by ICSL or reported in the Human Gene Mutation Database (HGMD: prior to June 1st, 2018), and was therefore a candidate for classification through an automated scoring system. Utilizing variant allele frequency, disease prevalence and penetrance estimates, and inheritance mode, an automated score was calculated to assess if this variant is too frequent to cause the disease. Based on the score and internal cut-off values, a variant classified as benign is not then subjected to further curation. The score for this variant resulted in a classification of benign for this disease.

Laboratory for Molecular Medicine, Mass General Brigham Personalized Medicine
Classification: Benign. Last evaluated: 2013-02-21. Review status: criteria provided, single submitter. Criteria: LMM Criteria. Collection method: clinical testing. Allele origin: germline. Observed: 1 variant allele.
Comment: 1635-4C>G in intron 13 of HPS5: This variant is not expected to have clinical si gnificance because it is not located within the conserved splice consensus seque nce. It has been identified in 6.7% (13/194) of Han Chinese chromosomes from a b road population by the 1000 Genomes Project (s/SNP; dbSNP rs79009787).

Breakthrough Genomics
Classification: Benign. Review status: criteria provided, single submitter. Criteria: ACMG Guidelines, 2015. Collection method: not provided. Allele origin: germline. Inheritance: Autosomal recessive inheritance. Affected: yes.

PreventionGenetics, part of Exact Sciences
Classification: Benign. Review status: criteria provided, single submitter. Criteria: ACMG Guidelines, 2015. Collection method: clinical testing. Allele origin: germline.